The following is an entry in ClinVar:

NM_001385012.1(NBEA):c.2843A>G (p.Lys948Arg)

Gene: NBEA (neurobeachin; plus strand). Cytogenetic location: 13q13.3.
Variant type: single nucleotide variant.
Coding change: c.2843A>G on transcript NM_001385012.1 (MANE Select); coding-DNA position 2843, A replaced by G.
Protein change: p.Lys948Arg; replaces lysine 948 with arginine.
Molecular consequence: missense variant.
Genome position (GRCh38, 1-based): chr13:35,157,269, A>G. VCF-style: chr13-35157269-A-G. GRCh37 (hg19) VCF-style: chr13-35731406-A-G.
Other names: c.2843A>G, p.Lys948Arg (NM_001379245.1, NM_015678.5); short protein forms K948R.
Identifiers: ClinVar variation 4846864 (VCV004846864.1).

ClinVar aggregate classification (germline): Uncertain significance (1 of 4 stars; one submission).

Conditions:
Neurodevelopmental disorder with or without early-onset generalized epilepsy. Identifiers: MedGen C5436914, MONDO:0030930, OMIM 619157.

Submission:

Laboratorio de Genetica e Diagnostico Molecular, Hospital Israelita Albert Einstein
Classification: Uncertain significance for Neurodevelopmental disorder with or without early-onset generalized epilepsy. Last evaluated: 2024-04-11. Review status: criteria provided, single submitter. Criteria: ACMG Guidelines, 2015. Collection method: clinical testing. Allele origin: germline. Affected: yes.
Comment: ACMG classification criteria: PM2 supporting, BP4 supporting